The following is an entry in ClinVar:

ClinVar aggregate classification (germline): Uncertain significance (1 of 4 stars; one submission).

Submission:

Labcorp Genetics (formerly Invitae), Labcorp
Classification: Uncertain significance. Last evaluated: 2023-03-07. Review status: criteria provided, single submitter. Criteria: Invitae Variant Classification Sherloc (09022015). Collection method: clinical testing. Allele origin: germline.
Comment: This variant has not been reported in the literature in individuals affected with SEPT9-related conditions. In summary, the available evidence is currently insufficient to determine the role of this variant in disease. Therefore, it has been classified as a Variant of Uncertain Significance. Advanced modeling of protein sequence and biophysical properties (such as structural, functional, and spatial information, amino acid conservation, physicochemical variation, residue mobility, and thermodynamic stability) performed at Invitae indicates that this missense variant is not expected to disrupt SEPT9 protein function. This variant is not present in population databases (gnomAD no frequency). This sequence change replaces glutamic acid, which is acidic and polar, with aspartic acid, which is acidic and polar, at codon 206 of the SEPT9 protein (p.Glu206Asp).

NM_001113491.2(SEPTIN9):c.672G>C (p.Glu224Asp)

Gene: SEPTIN9 (septin 9; plus strand). Cytogenetic location: 17q25.3.
Variant type: single nucleotide variant.
Coding change: c.672G>C on transcript NM_001113491.2 (MANE Select); coding-DNA position 672, G replaced by C.
Protein change: p.Glu224Asp; replaces glutamic acid 224 with aspartic acid.
Molecular consequence: missense variant.
Genome position (GRCh38, 1-based): chr17:77,402,654, G>C. VCF-style: chr17-77402654-G-C. GRCh37 (hg19) VCF-style: chr17-75398736-G-C.
Other names: c.180G>C, p.Glu60Asp (NM_001113492.2, NM_001113494.1); c.651G>C, p.Glu217Asp (NM_001113493.2); c.615G>C, p.Glu205Asp (NM_001293695.2); c.618G>C, p.Glu206Asp (NM_006640.5); short protein forms E205D, E206D, E217D, E224D, E60D.
Identifiers: ClinVar variation 2993575 (VCV002993575.3), dbSNP rs2509885410, ClinGen allele CA401206642.